The following is an entry in ClinVar:

ClinVar aggregate classification (germline): Uncertain significance (1 of 4 stars; one submission).

Conditions:
Methylcobalamin deficiency type cblG (HMAG). Also called: HOMOCYSTINURIA-MEGALOBLASTIC ANEMIA, cblG COMPLEMENTATION TYPE; HOMOCYSTINURIA-MEGALOBLASTIC ANEMIA, cblG TYPE; HOMOCYSTINURIA-MEGALOBLASTIC ANEMIA DUE TO DEFECT IN COBALAMIN METABOLISM, cblG COMPLEMENTATION TYPE; Functional methionine synthase deficiency type cblG. Identifiers: Orphanet 2170, Orphanet 622, MedGen C1855128, MONDO:0009609, OMIM 250940.

Allele frequency attached by ClinVar (database versions not stated): gnomAD exomes below 0.00001; TOPMed 0.00001.
gnomAD v4.1: 1 of 1,614,002 alleles (0.000062%); no homozygotes.

Submission:

Labcorp Genetics (formerly Invitae), Labcorp
Classification: Uncertain significance for Methylcobalamin deficiency type cblG. Last evaluated: 2022-04-06. Review status: criteria provided, single submitter. Criteria: Invitae Variant Classification Sherloc (09022015). Collection method: clinical testing. Allele origin: germline.
Comment: In summary, the available evidence is currently insufficient to determine the role of this variant in disease. Therefore, it has been classified as a Variant of Uncertain Significance. This sequence change replaces asparagine, which is neutral and polar, with lysine, which is basic and polar, at codon 340 of the MTR protein (p.Asn340Lys). This variant is present in population databases (no rsID available, gnomAD 0.003%). This variant has not been reported in the literature in individuals affected with MTR-related conditions. ClinVar contains an entry for this variant (Variation ID: 1027118). Algorithms developed to predict the effect of missense changes on protein structure and function output the following: SIFT: "Tolerated"; PolyPhen-2: "Benign"; Align-GVGD: "Class C0". The lysine amino acid residue is found in multiple mammalian species, which suggests that this missense change does not adversely affect protein function.

NM_000254.3(MTR):c.1020T>G (p.Asn340Lys)

Gene: MTR (5-methyltetrahydrofolate-homocysteine methyltransferase; plus strand). Cytogenetic location: 1q43.
Variant type: single nucleotide variant.
Coding change: c.1020T>G on transcript NM_000254.3 (MANE Select); coding-DNA position 1020, T replaced by G.
Protein change: p.Asn340Lys; replaces asparagine 340 with lysine.
Molecular consequence: missense variant. On other transcripts: 5 prime UTR variant (1).
Genome position (GRCh38, 1-based): chr1:236,829,213, T>G. VCF-style: chr1-236829213-T-G. GRCh37 (hg19) VCF-style: chr1-236992513-T-G.
Other names: c.1020T>G, p.Asn340Lys (NM_001291939.1); c.-89T>G (NM_001291940.2); short protein forms N340K.
Identifiers: ClinVar variation 1027118 (VCV001027118.8), dbSNP rs1322031909, ClinGen allele CA345391465.